The following is an entry in ClinVar:

NM_014727.3(KMT2B):c.5293_5296dup (p.Ser1766fs)

Gene: KMT2B (lysine methyltransferase 2B; plus strand). Cytogenetic location: 19q13.12.
Variant type: Duplication.
Coding change: c.5293_5296dup on transcript NM_014727.3 (MANE Select); coding-DNA positions 5293 to 5296, 4 bases duplicated (TGGA; older notation c.5293_5296dupTGGA).
Protein change: p.Ser1766fs; shifts the reading frame from serine 1766.
Molecular consequence: frameshift variant.
Genome position (GRCh38, 1-based): chr19:35,730,723-35,730,726, TGGA duplicated. VCF-style (leftmost placement, unchanged base first): chr19-35730722-C-CTGGA. GRCh37 (hg19) VCF-style: chr19-36221623-C-CTGGA.
Other names: short protein forms S1766fs.
Identifiers: ClinVar variation 3727300 (VCV003727300.2).
Genomic context (GRCh38, chr19:35,730,722, plus strand): 5'-GATCCCATTTCCCAAGCATCCTAACCGTCTTATCCCACATGCCAGGTGCTCCCGTCTGTA[C>CTGGA]TGGAGCACAGTGGATGCTCGGAGGCGCTGCTGGTATCGGTGCCGAATTCTGGAGTATCGG-3'

ClinVar aggregate classification (germline): Pathogenic (1 of 4 stars; one submission).

Submission:

Labcorp Genetics (formerly Invitae), Labcorp
Classification: Pathogenic. Last evaluated: 2024-12-15. Review status: criteria provided, single submitter. Criteria: Invitae Variant Classification Sherloc (09022015). Collection method: clinical testing. Allele origin: germline.
Comment: This sequence change creates a premature translational stop signal (p.Ser1766Metfs*54) in the KMT2B gene. It is expected to result in an absent or disrupted protein product. Loss-of-function variants in KMT2B are known to be pathogenic (PMID: 27839873, 27992417). This variant is not present in population databases (gnomAD no frequency). This variant has not been reported in the literature in individuals affected with KMT2B-related conditions. For these reasons, this variant has been classified as Pathogenic.

Literature cited by the submitters: PubMed 27839873; PubMed 27992417.